The following is an entry in ClinVar:

ClinVar aggregate classification (germline): Uncertain significance (1 of 4 stars; one submission).

Conditions:
Duchenne muscular dystrophy (DMD). Also called: MUSCULAR DYSTROPHY, PSEUDOHYPERTROPHIC PROGRESSIVE, DUCHENNE TYPE; Duchenne Muscular Dystrophy (DMD). Identifiers: Orphanet 98896, MedGen C0013264, MONDO:0010679, OMIM 310200.

Submission:

Labcorp Genetics (formerly Invitae), Labcorp
Classification: Uncertain significance for Duchenne muscular dystrophy. Last evaluated: 2019-07-16. Review status: criteria provided, single submitter. Criteria: Invitae Variant Classification Sherloc (09022015). Collection method: clinical testing. Allele origin: germline.
Comment: This sequence change replaces serine with arginine at codon 1513 of the DMD protein (p.Ser1513Arg). The serine residue is highly conserved and there is a moderate physicochemical difference between serine and arginine. This variant is not present in population databases (ExAC no frequency). This variant has not been reported in the literature in individuals with DMD-related disease. Algorithms developed to predict the effect of missense changes on protein structure and function (SIFT, PolyPhen-2, Align-GVGD) all suggest that this variant is likely to be disruptive, but these predictions have not been confirmed by published functional studies and their clinical significance is uncertain. In summary, the available evidence is currently insufficient to determine the role of this variant in disease. Therefore, it has been classified as a Variant of Uncertain Significance.

NM_004006.3(DMD):c.4537A>C (p.Ser1513Arg)

Gene: DMD (dystrophin; minus strand). Cytogenetic location: Xp21.1.
Variant type: single nucleotide variant.
Coding change: c.4537A>C on transcript NM_004006.3 (MANE Select); coding-DNA position 4537, A replaced by C.
Protein change: p.Ser1513Arg; replaces serine 1513 with arginine.
Molecular consequence: missense variant.
Genome position (GRCh38, 1-based): chrX:32,386,447, T>G on the plus strand (A>C on the coding strand, the complement: DMD is on the minus strand). VCF-style: chrX-32386447-T-G. GRCh37 (hg19) VCF-style: chrX-32404564-T-G.
Other names: c.4513A>C, p.Ser1505Arg (NM_000109.4); c.4525A>C, p.Ser1509Arg (NM_004009.3); c.4168A>C, p.Ser1390Arg (NM_004010.3); c.514A>C, p.Ser172Arg (NM_004011.4); c.505A>C, p.Ser169Arg (NM_004012.4); short protein forms S1513R, S1390R, S1509R, S169R, S172R, S1505R.
Identifiers: ClinVar variation 576421 (VCV000576421.2), dbSNP rs1569560628, ClinGen allele CA412662775.